The following is an entry in ClinVar:

NM_025132.4(WDR19):c.406+5_406+11del

Gene: WDR19 (WD repeat domain 19; plus strand). Cytogenetic location: 4p14.
Variant type: Deletion.
Coding change: c.406+5_406+11del on transcript NM_025132.4 (MANE Select); bases 5 to 11 of the intron after coding-DNA position 406, 7 bases deleted (GTGATAG; older notation c.406+5_406+11delGTGATAG).
Molecular consequence: splice donor variant. On other transcripts: intron variant (1).
Genome position (GRCh38, 1-based): chr4:39,194,664-39,194,670, GTGATAG deleted; deleting any 7 consecutive bases within chr4:39,194,661-39,194,670 gives the same sequence; the c. name uses the placement nearest the transcript's 3' end. VCF-style (leftmost placement, unchanged base first): chr4-39194660-GTAGGTGA-G. GRCh37 (hg19) VCF-style: chr4-39196280-GTAGGTGA-G.
Other names: c.406+2_406+8del (NM_025132.4); c.-74-4814_-74-4808del (NM_001317924.2).
Identifiers: ClinVar variation 3382624 (VCV003382624.2).
Genomic context (GRCh38, chr4:39,194,660, plus strand): 5'-CTGTTAAAGGAAATTTGCTTATTTATAATCATCAGACATCTCGAAAGATTCCTGTCCTTG[GTAGGTGA>G]TAGCTGGAAACACTGCTAAATATTTGAGATGCTCTACCTCAATGTAAATTCTGCCGCCTC-3'

ClinVar aggregate classification (germline): Uncertain significance (1 of 4 stars; one submission).

Conditions:
Asphyxiating thoracic dystrophy 5 (SRTD5). Also called: SHORT-RIB THORACIC DYSPLASIA 5 WITH OR WITHOUT POLYDACTYLY; SHORT-RIB THORACIC DYSPLASIA 5 WITHOUT POLYDACTYLY. Identifiers: Orphanet 474, MedGen C3280598, MONDO:0013717, OMIM 614376.
Nephronophthisis 13 (NPHP13). Identifiers: Orphanet 655, MedGen C3280612, MONDO:0013718, OMIM 614377.
Cranioectodermal dysplasia 4 (CED4). Identifiers: Orphanet 1515, MedGen C3280616, MONDO:0013719, OMIM 614378.
Spermatogenic failure 72 (SPGF72). Identifiers: MedGen C5676980, MONDO:0030809, OMIM 619867.
Senior-Loken syndrome 8 (SLSN8). Identifiers: Orphanet 3156, MedGen C4225376, MONDO:0014579, OMIM 616307.

Submission:

Juno Genomics, Hangzhou Juno Genomics, Inc
Classification: Uncertain significance for Spermatogenic failure 72; Cranioectodermal dysplasia 4; Nephronophthisis 13; Senior-Loken syndrome 8; Asphyxiating thoracic dystrophy 5. Review status: criteria provided, single submitter. Criteria: ACMG Guidelines, 2015. Collection method: clinical testing. Allele origin: germline. Affected: yes.
Comment: For recessive disorders, detected in trans with a pathogenic variant.;Absent from controls (or at extremely low frequency if recessive) in Genome Aggregation Database, Exome Sequencing Project, 1000 Genomes Project, or Exome Aggregation Consortium.